The following is an entry in ClinVar:

NM_001005361.3(DNM2):c.992+231G>A

Gene: DNM2 (dynamin 2; plus strand). Cytogenetic location: 19p13.2.
Variant type: single nucleotide variant.
Coding change: c.992+231G>A on transcript NM_001005361.3 (MANE Select); 231 bases into the intron after coding-DNA position 992, G replaced by A.
Molecular consequence: intron variant.
Genome position (GRCh38, 1-based): chr19:10,786,937, G>A. VCF-style: chr19-10786937-G-A. GRCh37 (hg19) VCF-style: chr19-10897613-G-A.
Other names: c.992+231G>A (NM_001005360.3, NM_001190716.2, NM_004945.4 and 1 more transcripts).
Identifiers: ClinVar variation 679311 (VCV000679311.1), dbSNP rs8102648, ClinGen allele CA14711388.
Genomic context (GRCh38, chr19:10,786,937, plus strand): 5'-GTGGAGGGGACAGGTGTCCGTCCCTGCCCCTGGAGTGCTCAGAATGGGGGGAAGTGGGAC[G>A]AATGGGACAAAAAACAAGAAAGAAAATGTATAGTGTGTTAAATGTCAAAATATGAAAGTG-3'

ClinVar aggregate classification (germline): Benign (1 of 4 stars; one submission).

Allele frequency attached by ClinVar (database versions not stated): 1000 Genomes Project 30x 0.92583; 1000 Genomes Project 0.92652; TOPMed 0.93507; gnomAD 0.93725 and 0.93759.
gnomAD v4.1: 142,894 of 152,336 alleles (94%); highest among the groups gnomAD compares: East Asian, 100%; 67,264 homozygotes.

Submission:

GeneDx
Classification: Benign. Last evaluated: 2018-06-14. Review status: criteria provided, single submitter. Criteria: GeneDx Variant Classification (06012015). Collection method: clinical testing. Allele origin: germline. Affected: yes.
Comment: This variant is considered likely benign or benign based on one or more of the following criteria: it is a conservative change, it occurs at a poorly conserved position in the protein, it is predicted to be benign by multiple in silico algorithms, and/or has population frequency not consistent with disease.